The following is an entry in ClinVar:

ClinVar aggregate classification (germline): Benign/Likely benign (0 of 4 stars; one submission).

Submission:

ISCA site 4
Classification: Benign/Likely benign. Last evaluated: 2012-09-21. Review status: no assertion criteria provided. Collection method: clinical testing. Allele origin: unknown. Affected: yes. Observed: 7 variant alleles. Clinical features observed: Developmental delay AND/OR other significant developmental or morphological phenotypes, Autism (HP:0000717), Cleft palate (HP:0000175), Seizure (HP:0001250).
Comment: Likely benign (1), Benign (6)

Copy number variation identified through the course of routine clinical cytogenomic testing in postnatal populations, with clinical assertions as classified by the original submitter.

GRCh38/hg38 10q11.22(chr10:46489780-47923579)x3

Genes: AGAP10 (ArfGAP with GTPase domain, ankyrin repeat and PH domain 10), AGAP9 (ArfGAP with GTPase domain, ankyrin repeat and PH domain 9; minus strand), ANXA8 (annexin A8; minus strand), FAM245B (family with sequence similarity 245 member B; plus strand), FAM25G (family with sequence similarity 25 member G; minus strand) and 23 more. Cytogenetic location: 10q11.22.
Variant type: copy number gain.
Change: copy number 3 (three copies instead of two) of chr10:46,489,780-47,923,579 (1.43 Mb, GRCh38 coordinates, 1-based), cytogenetic band 10q11.22.
Identifiers: ClinVar variation 145472 (VCV000145472.2).